The following is an entry in ClinVar:

ClinVar aggregate classification (germline): Conflicting classifications of pathogenicity. Review status: criteria provided, conflicting classifications (1 of 4 stars). 4 submissions from 4 submitters: Uncertain significance (1); Benign (3). Last evaluated 2023-11-22.

Conditions:
Mitochondrial complex I deficiency, nuclear type 9. Also called: Mitochondrial complex 1 deficiency, nuclear type 9. Identifiers: MedGen C4748767, MONDO:0032615, OMIM 618232.
Mitochondrial complex I deficiency, nuclear type 1. Also called: NADH-COENZYME Q REDUCTASE DEFICIENCY; MITOCHONDRIAL NADH DEHYDROGENASE COMPONENT OF COMPLEX I, DEFICIENCY OF. Identifiers: MedGen C6022305, MONDO:0100224, OMIM 252010.

Allele frequency attached by ClinVar (database versions not stated): 1000 Genomes Project 30x 0.00906; gnomAD 0.01272 and 0.01258; ESP Exome Variant Server 0.01362; TOPMed 0.01302; 1000 Genomes Project 0.00839; gnomAD exomes 0.01258; ExAC 0.01271.
gnomAD v4.1: 26,594 of 1,605,222 alleles (1.7%); highest among the groups gnomAD compares: Non-Finnish European, 2%; 260 homozygotes.

Submissions (4):

ARUP Laboratories, Molecular Genetics and Genomics, ARUP Laboratories
Classification: Benign for Mitochondrial complex I deficiency, nuclear type 9. Last evaluated: 2023-11-22. Review status: criteria provided, single submitter. Criteria: ARUP Molecular Germline Variant Investigation Process 2024. Collection method: clinical testing. Allele origin: germline.

Illumina Laboratory Services, Illumina
Classification: Uncertain significance for Mitochondrial complex I deficiency, nuclear type 1. Last evaluated: 2018-01-13. Review status: criteria provided, single submitter. Criteria: ICSL Variant Classification Criteria 13 December 2019. Collection method: clinical testing. Allele origin: germline.

Eurofins Ntd Llc (ga)
Classification: Benign. Last evaluated: 2016-11-07. Review status: criteria provided, single submitter. Criteria: EGL Classification Definitions 2015. Collection method: clinical testing. Allele origin: germline. Observed: 1 variant allele, 1 heterozygote.

GeneDx
Classification: Benign. Last evaluated: 2012-05-23. Review status: criteria provided, single submitter. Criteria: GeneDx Variant Classification (06012015). Collection method: clinical testing. Allele origin: germline. Affected: yes.
Comment: This variant is considered likely benign or benign based on one or more of the following criteria: it is a conservative change, it occurs at a poorly conserved position in the protein, it is predicted to be benign by multiple in silico algorithms, and/or has population frequency not consistent with disease.

NM_004553.4(NDUFS6):c.-12C>T

Genes: MRPL36 (mitochondrial ribosomal protein L36; minus strand), NDUFS6 (NADH:ubiquinone oxidoreductase subunit S6; plus strand). Cytogenetic location: 5p15.33.
Variant type: single nucleotide variant.
Coding change: c.-12C>T on transcript NM_004553.4; 12 bases upstream of the start codon, C replaced by T.
Genome position (GRCh38, 1-based): chr5:1,801,406, C>T. VCF-style: chr5-1801406-C-T. GRCh37 (hg19) VCF-style: chr5-1801520-C-T.
Identifiers: ClinVar variation 138493 (VCV000138493.19), dbSNP rs145747389, ClinGen allele CA292507.